The following is an entry in ClinVar:

NM_006005.3(WFS1):c.1791C>G (p.Ile597Met)

Gene: WFS1 (wolframin ER transmembrane glycoprotein; plus strand). Cytogenetic location: 4p16.1.
Variant type: single nucleotide variant.
Coding change: c.1791C>G on transcript NM_006005.3 (MANE Select); coding-DNA position 1791, C replaced by G.
Protein change: p.Ile597Met; replaces isoleucine 597 with methionine.
Molecular consequence: missense variant.
Genome position (GRCh38, 1-based): chr4:6,301,586, C>G. VCF-style: chr4-6301586-C-G. GRCh37 (hg19) VCF-style: chr4-6303313-C-G.
Other names: c.1791C>G, p.Ile597Met (NM_001145853.1); short protein forms I597M.
Identifiers: ClinVar variation 1504532 (VCV001504532.8), dbSNP rs141883293, ClinGen allele CA2839493.

ClinVar aggregate classification (germline): Uncertain significance (1 of 4 stars; one submission).

gnomAD v4.1: 12 of 1,614,182 alleles (0.00074%); highest among the groups gnomAD compares: Admixed American, 0.0017%; no homozygotes.

Submission:

Labcorp Genetics (formerly Invitae), Labcorp
Classification: Uncertain significance. Last evaluated: 2021-01-25. Review status: criteria provided, single submitter. Criteria: Invitae Variant Classification Sherloc (09022015). Collection method: clinical testing. Allele origin: germline.
Comment: This sequence change replaces isoleucine with methionine at codon 597 of the WFS1 protein (p.Ile597Met). The isoleucine residue is moderately conserved and there is a small physicochemical difference between isoleucine and methionine. This variant is present in population databases (rs141883293, ExAC 0.03%). This variant has not been reported in the literature in individuals with WFS1-related conditions. Advanced modeling of protein sequence and biophysical properties (such as structural, functional, and spatial information, amino acid conservation, physicochemical variation, residue mobility, and thermodynamic stability) performed at Invitae indicates that this missense variant is not expected to disrupt WFS1 protein function. In summary, the available evidence is currently insufficient to determine the role of this variant in disease. Therefore, it has been classified as a Variant of Uncertain Significance.